The following is an entry in ClinVar:

ClinVar aggregate classification (germline): Likely benign. Review status: criteria provided, multiple submitters, no conflicts (2 of 4 stars). 3 submissions from 3 submitters: Likely benign (2). 1 of the submissions does not count toward it. Last evaluated 2025-07-07.

Conditions:
KLHL7-related disorder. Also called: KLHL7-related disorders; KLHL7-related condition.

Allele frequency attached by ClinVar (database versions not stated): gnomAD 0.00005; TOPMed 0.00006; ESP Exome Variant Server 0.00031.
gnomAD v4.1: 107 of 1,613,936 alleles (0.0066%); highest among the groups gnomAD compares: Middle Eastern, 0.016%; no homozygotes.

Submissions (3):

Labcorp Genetics (formerly Invitae), Labcorp
Classification: Likely benign. Last evaluated: 2025-07-07. Review status: criteria provided, single submitter. Criteria: Invitae Variant Classification Sherloc (09022015). Collection method: clinical testing. Allele origin: germline.

Blueprint Genetics
Classification: Likely benign. Last evaluated: 2024-02-07. Review status: criteria provided, single submitter. Criteria: ACMG Guidelines, 2015. Collection method: clinical testing. Allele origin: germline.

PreventionGenetics, part of Exact Sciences
Classification: Likely benign for KLHL7-related condition. Last evaluated: 2019-10-16. Review status: no assertion criteria provided. Collection method: clinical testing. Allele origin: germline. Not counted in ClinVar's aggregate classification.
Comment: This variant is classified as likely benign based on ACMG/AMP sequence variant interpretation guidelines (Richards et al. 2015 PMID: 25741868, with internal and published modifications).

NM_001031710.3(KLHL7):c.1650C>T (p.Thr550=)

Gene: KLHL7 (kelch like family member 7; plus strand). Cytogenetic location: 7p15.3.
Variant type: single nucleotide variant.
Coding change: c.1650C>T on transcript NM_001031710.3 (MANE Select); coding-DNA position 1650, C replaced by T.
Protein change: p.Thr550=; no amino-acid change (threonine 550 retained).
Molecular consequence: synonymous variant. On other transcripts: non-coding transcript variant (1).
Genome position (GRCh38, 1-based): chr7:23,174,187, C>T. VCF-style: chr7-23174187-C-T. GRCh37 (hg19) VCF-style: chr7-23213806-C-T.
Other names: c.1650C>T (NM_001031710.2); c.1506C>T, p.Thr502= (NM_018846.5).
Identifiers: ClinVar variation 1156554 (VCV001156554.12), dbSNP rs142565112, ClinGen allele CA4186663.